The following is an entry in ClinVar:

NM_205836.3(FBXO38):c.1531A>G (p.Asn511Asp)

Gene: FBXO38 (F-box protein 38; plus strand). Cytogenetic location: 5q32.
Variant type: single nucleotide variant.
Coding change: c.1531A>G on transcript NM_205836.3 (MANE Select); coding-DNA position 1531, A replaced by G.
Protein change: p.Asn511Asp; replaces asparagine 511 with aspartic acid.
Molecular consequence: missense variant.
Genome position (GRCh38, 1-based): chr5:148,417,117, A>G. VCF-style: chr5-148417117-A-G. GRCh37 (hg19) VCF-style: chr5-147796680-A-G.
Other names: c.1531A>G, p.Asn511Asp (NM_001271723.2, NM_030793.5); short protein forms N511D.
Identifiers: ClinVar variation 1357213 (VCV001357213.8), dbSNP rs746674990, ClinGen allele CA3497298.

ClinVar aggregate classification (germline): Uncertain significance (1 of 4 stars; one submission).

Conditions:
Distal hereditary motor neuropathy type 2. Identifiers: Orphanet 139525, MedGen C3711384, MeSH C580044, MONDO:0015352.

Allele frequency attached by ClinVar (database versions not stated): gnomAD exomes below 0.00001 and 0.00001; ExAC 0.00001; TOPMed 0.00001.
gnomAD v4.1: 4 of 1,613,804 alleles (0.00025%); highest among the groups gnomAD compares: Admixed American, 0.005%; no homozygotes.

Submission:

Labcorp Genetics (formerly Invitae), Labcorp
Classification: Uncertain significance for Distal hereditary motor neuropathy type 2. Last evaluated: 2020-12-11. Review status: criteria provided, single submitter. Criteria: Invitae Variant Classification Sherloc (09022015). Collection method: clinical testing. Allele origin: germline.
Comment: In summary, the available evidence is currently insufficient to determine the role of this variant in disease. Therefore, it has been classified as a Variant of Uncertain Significance. Algorithms developed to predict the effect of missense changes on protein structure and function are either unavailable or do not agree on the potential impact of this missense change (SIFT: "Deleterious"; PolyPhen-2: "Probably Damaging"; Align-GVGD: "Class C0"). This variant has not been reported in the literature in individuals with FBXO38-related conditions. This variant is present in population databases (rs746674990, ExAC 0.009%). This sequence change replaces asparagine with aspartic acid at codon 511 of the FBXO38 protein (p.Asn511Asp). The asparagine residue is moderately conserved and there is a small physicochemical difference between asparagine and aspartic acid.